The following is an entry in ClinVar:

NM_002878.4(RAD51D):c.972G>T (p.Gln324His)

Genes: RAD51D (RAD51 paralog D; minus strand), RAD51L3-RFFL (RAD51L3-RFFL readthrough; minus strand). Cytogenetic location: 17q12.
Variant type: single nucleotide variant.
Coding change: c.972G>T on transcript NM_002878.4 (MANE Select); coding-DNA position 972, G replaced by T.
Protein change: p.Gln324His; replaces glutamine 324 with histidine.
Molecular consequence: missense variant. On other transcripts: non-coding transcript variant (2).
Genome position (GRCh38, 1-based): chr17:35,100,968, C>A on the plus strand (G>T on the coding strand, the complement: RAD51D is on the minus strand). VCF-style: chr17-35100968-C-A. GRCh37 (hg19) VCF-style: chr17-33427987-C-A.
Other names: c.1032G>T, p.Gln344His (NM_001142571.2); c.636G>T, p.Gln212His (NM_133629.3); short protein forms Q324H, Q212H, Q344H.
Identifiers: ClinVar variation 185169 (VCV000185169.14), dbSNP rs762625437, ClinGen allele CA191216.

ClinVar aggregate classification (germline): Conflicting classifications of pathogenicity. Review status: criteria provided, conflicting classifications (1 of 4 stars). 3 submissions from 3 submitters: Uncertain significance (2); Likely benign (1). Last evaluated 2025-12-20.

Conditions:
Hereditary cancer-predisposing syndrome. Also called: Hereditary neoplastic syndrome; Neoplastic Syndromes, Hereditary; Tumor predisposition; Hereditary Cancer Syndrome. Identifiers: Orphanet 140162, MedGen C0027672, MeSH D009386, MONDO:0015356.
Breast-ovarian cancer, familial, susceptibility to, 4. Identifiers: Orphanet 145, MedGen C3280345, MONDO:0013669, OMIM 614291.

Allele frequency attached by ClinVar (database versions not stated): ExAC 0.00001; gnomAD 0.00001; gnomAD exomes 0.00001; TOPMed 0.00001.
gnomAD v4.1: 11 of 1,612,968 alleles (0.00068%); highest among the groups gnomAD compares: Non-Finnish European, 0.00093%; no homozygotes.

Submissions (3):

Labcorp Genetics (formerly Invitae), Labcorp
Classification: Uncertain significance for Breast-ovarian cancer, familial, susceptibility to, 4. Last evaluated: 2025-12-20. Review status: criteria provided, single submitter. Criteria: Invitae Variant Classification Sherloc (09022015). Collection method: clinical testing. Allele origin: germline.
Comment: This sequence change replaces glutamine, which is neutral and polar, with histidine, which is basic and polar, at codon 324 of the RAD51D protein (p.Gln324His). This variant is present in population databases (rs762625437, gnomAD 0.002%). This missense change has been observed in individual(s) with breast cancer (PMID: 26976419). ClinVar contains an entry for this variant (Variation ID: 185169). An algorithm developed to predict the effect of missense changes on protein structure and function (PolyPhen-2) suggests that this variant is likely to be disruptive. In summary, the available evidence is currently insufficient to determine the role of this variant in disease. Therefore, it has been classified as a Variant of Uncertain Significance.

Ambry Genetics
Classification: Likely benign for Hereditary cancer-predisposing syndrome. Last evaluated: 2023-12-27. Review status: criteria provided, single submitter. Criteria: Ambry Variant Classification Scheme 2023. Collection method: clinical testing. Allele origin: germline.

GeneDx
Classification: Uncertain significance. Last evaluated: 2023-07-18. Review status: criteria provided, single submitter. Criteria: GeneDx Variant Classification Process June 2021. Collection method: clinical testing. Allele origin: germline. Affected: yes.
Comment: Not observed at significant frequency in large population cohorts (gnomAD); In silico analysis supports that this missense variant does not alter protein structure/function; Observed in an individual with breast cancer (Tung et al., 2016); This variant is associated with the following publications: (PMID: 19327148, 21111057, 14704354, 26976419)

Literature cited by the submitters: PubMed 26976419 (cited by Labcorp Genetics (formerly Invitae), Labcorp and Ambry Genetics).